The following is an entry in ClinVar:

NM_198253.3(TERT):c.1269C>T (p.Ala423=)

Gene: TERT (telomerase reverse transcriptase; minus strand). Cytogenetic location: 5p15.33.
Variant type: single nucleotide variant.
Coding change: c.1269C>T on transcript NM_198253.3 (MANE Select); coding-DNA position 1269, C replaced by T.
Protein change: p.Ala423=; no amino-acid change (alanine 423 retained).
Molecular consequence: synonymous variant. On other transcripts: non-coding transcript variant (2).
Genome position (GRCh38, 1-based): chr5:1,293,617, G>A on the plus strand (C>T on the coding strand, the complement: TERT is on the minus strand). VCF-style: chr5-1293617-G-A. GRCh37 (hg19) VCF-style: chr5-1293732-G-A.
Other names: c.1269C>T, p.Ala423= (NM_001193376.3).
Identifiers: ClinVar variation 471818 (VCV000471818.42), dbSNP rs190411812, ClinGen allele CA3184862.

ClinVar aggregate classification (germline): Conflicting classifications of pathogenicity. Review status: criteria provided, conflicting classifications (1 of 4 stars). 8 submissions from 6 submitters: Uncertain significance (2); Benign (1); Likely benign (5). Last evaluated 2026-01-27.

Conditions:
Idiopathic Pulmonary Fibrosis. Also called: Idiopathic fibrosing alveolitis, chronic form; idiopathic fibrosing alveolitis. Identifiers: Orphanet 2032, MedGen C1800706, MeSH D054990, MONDO:0800504.
Dyskeratosis congenita, autosomal dominant 2. Identifiers: MedGen C3151443, MONDO:0013521, OMIM 613989.
Dyskeratosis congenita. Identifiers: Orphanet 1775, MedGen C0265965, MONDO:0015780.
Pulmonary fibrosis and/or bone marrow failure, Telomere-related, 1. Also called: PULMONARY FIBROSIS AND/OR BONE MARROW FAILURE SYNDROME, TELOMERE-RELATED, 1. Identifiers: Orphanet 88, MedGen C3553617, MONDO:0013878, OMIM 614742.
Aplastic anemia. Identifiers: Orphanet 182040, Orphanet 88, MedGen C0002874, MONDO:0015909, OMIM 609135, HP:0001915.

Allele frequency attached by ClinVar (database versions not stated): TOPMed 0.00010.

Submissions (8):

Labcorp Genetics (formerly Invitae), Labcorp
Classification: Likely benign for Dyskeratosis congenita, autosomal dominant 2; Idiopathic Pulmonary Fibrosis. Last evaluated: 2026-01-27. Review status: criteria provided, single submitter. Criteria: Invitae Variant Classification Sherloc (09022015). Collection method: clinical testing. Allele origin: germline.

CeGaT Center for Human Genetics Tuebingen
Classification: Likely benign. Last evaluated: 2024-03-01. Review status: criteria provided, single submitter. Criteria: CeGaT Center For Human Genetics Tuebingen Variant Classification Criteria Version 2. Collection method: clinical testing. Allele origin: germline. Affected: yes. Observed: 1 variant allele.
Comment: TERT: BP4, BP7

Blueprint Genetics
Classification: Likely benign. Last evaluated: 2023-09-25. Review status: criteria provided, single submitter. Criteria: ACMG Guidelines, 2015. Collection method: clinical testing. Allele origin: germline.

Ambry Genetics
Classification: Likely benign for Dyskeratosis congenita. Last evaluated: 2022-02-22. Review status: criteria provided, single submitter. Criteria: Ambry Variant Classification Scheme 2023. Collection method: clinical testing. Allele origin: germline.

Genetic Services Laboratory, University of Chicago
Classification: Likely benign. Last evaluated: 2020-01-08. Review status: criteria provided, single submitter. Criteria: ACMG Guidelines, 2015. Collection method: clinical testing. Allele origin: germline. Affected: no.

Illumina Laboratory Services, Illumina
Classification: Uncertain significance for Dyskeratosis congenita, autosomal dominant 2. Last evaluated: 2018-03-16. Review status: criteria provided, single submitter. Criteria: ICSL Variant Classification Criteria 13 December 2019. Collection method: clinical testing. Allele origin: germline.

Illumina Laboratory Services, Illumina
Classification: Uncertain significance for Aplastic anemia. Last evaluated: 2018-03-16. Review status: criteria provided, single submitter. Criteria: ICSL Variant Classification Criteria 13 December 2019. Collection method: clinical testing. Allele origin: germline.

Illumina Laboratory Services, Illumina
Classification: Benign for Pulmonary fibrosis and/or bone marrow failure, Telomere-related, 1. Last evaluated: 2018-03-14. Review status: criteria provided, single submitter. Criteria: ICSL Variant Classification Criteria 13 December 2019. Collection method: clinical testing. Allele origin: germline.
Comment: This variant was observed in the ICSL laboratory as part of a predisposition screen in an ostensibly healthy population. It had not been previously curated by ICSL or reported in the Human Gene Mutation Database (HGMD: prior to June 1st, 2018), and was therefore a candidate for classification through an automated scoring system. Utilizing variant allele frequency, disease prevalence and penetrance estimates, and inheritance mode, an automated score was calculated to assess if this variant is too frequent to cause the disease. Based on the score and internal cut-off values, a variant classified as benign is not then subjected to further curation. The score for this variant resulted in a classification of benign for this disease.